The following is an entry in ClinVar:

NM_005787.6(ALG3):c.1162del (p.Val388fs)

Gene: ALG3 (ALG3 alpha-1,3- mannosyltransferase; minus strand). Cytogenetic location: 3q27.1.
Variant type: Deletion.
Coding change: c.1162del on transcript NM_005787.6 (MANE Select); coding-DNA position 1162, one base deleted (G; older notation c.1162delG).
Protein change: p.Val388fs; shifts the reading frame from valine 388.
Molecular consequence: frameshift variant. On other transcripts: non-coding transcript variant (2).
Genome position (GRCh38, 1-based): chr3:184,242,669, C deleted on the plus strand (G on the coding strand, the reverse complement: ALG3 is on the minus strand); the first of 2 consecutive C bases (chr3:184,242,669-184,242,670); deleting either gives the same sequence. VCF-style (leftmost placement, unchanged base first): chr3-184242668-AC-A. GRCh37 (hg19) VCF-style: chr3-183960456-AC-A.
Other names: c.1018del, p.Val340fs (NM_001006941.2); short protein forms V340fs, V388fs.
Identifiers: ClinVar variation 4681096 (VCV004681096.1).
Genomic context (GRCh38, chr3:184,242,668, plus strand): 5'-GCAGCAGAGCTGCAGGATGTGGAAGGGTATGTGTTCCAGGAGAGCTCGATGAGCCCCAGC[AC>A]CAACAACCTGGAGATGAGAAACAGGTTCCACGTTTCATCCAGTTGCAAGGCCTGCAGACC-3'

ClinVar aggregate classification (germline): Uncertain significance (1 of 4 stars; one submission).

Submission:

GeneDx
Classification: Uncertain significance. Last evaluated: 2025-06-30. Review status: criteria provided, single submitter. Criteria: GeneDx Variant Classification Process June 2021. Collection method: clinical testing. Allele origin: germline. Affected: yes.
Comment: Not observed at significant frequency in large population cohorts (gnomAD); Frameshift variant predicted to result in abnormal protein length as the last 51 amino acid(s) are replaced with 79 different amino acid(s); Has not been previously published as pathogenic or benign to our knowledge